The following is an entry in ClinVar:

NM_015909.4(NBAS):c.2251G>A (p.Asp751Asn)

Gene: NBAS (NBAS subunit of NRZ tethering complex; minus strand). Cytogenetic location: 2p24.3.
Variant type: single nucleotide variant.
Coding change: c.2251G>A on transcript NM_015909.4 (MANE Select); coding-DNA position 2251, G replaced by A.
Protein change: p.Asp751Asn; replaces aspartic acid 751 with asparagine.
Molecular consequence: missense variant. On other transcripts: non-coding transcript variant (1).
Genome position (GRCh38, 1-based): chr2:15,461,289, C>T on the plus strand (G>A on the coding strand, the complement: NBAS is on the minus strand). VCF-style: chr2-15461289-C-T. GRCh37 (hg19) VCF-style: chr2-15601413-C-T.
Other names: short protein forms D751N.
Identifiers: ClinVar variation 1450104 (VCV001450104.4), dbSNP rs577208192, ClinGen allele CA1536420.
Genomic context (GRCh38, chr2:15,461,289, plus strand): 5'-CATGTGGAGAAGTGGTCTCTGGAAAGTTGGACAGAATTGCAAGGCGATGAGGAAGCAGGT[C>T]GGAACCATGGTAAGTAAACAGAATTTCCAGGGCTTGTACATTACTTTCCTGTACAAAAGG-3'
Protein context (NP_056993.2, residues 741-761): LEILFTYHGS[Asp751Asn]LLPHRLAILS

ClinVar aggregate classification (germline): Uncertain significance (1 of 4 stars; one submission).

Allele frequency attached by ClinVar (database versions not stated): gnomAD exomes below 0.00001; TOPMed below 0.00001; ExAC 0.00001; gnomAD 0.00001; 1000 Genomes Project 30x 0.00016; 1000 Genomes Project 0.00020.
gnomAD v4.1: 12 of 1,613,106 alleles (0.00074%); highest among the groups gnomAD compares: South Asian, 0.0055%; no homozygotes.

Submission:

Labcorp Genetics (formerly Invitae), Labcorp
Classification: Uncertain significance. Last evaluated: 2022-10-28. Review status: criteria provided, single submitter. Criteria: Invitae Variant Classification Sherloc (09022015). Collection method: clinical testing. Allele origin: germline.
Comment: This sequence change replaces aspartic acid, which is acidic and polar, with asparagine, which is neutral and polar, at codon 751 of the NBAS protein (p.Asp751Asn). This variant is present in population databases (rs577208192, gnomAD 0.003%). This variant has not been reported in the literature in individuals affected with NBAS-related conditions. ClinVar contains an entry for this variant (Variation ID: 1450104). Advanced modeling of protein sequence and biophysical properties (such as structural, functional, and spatial information, amino acid conservation, physicochemical variation, residue mobility, and thermodynamic stability) performed at Invitae indicates that this missense variant is not expected to disrupt NBAS protein function. In summary, the available evidence is currently insufficient to determine the role of this variant in disease. Therefore, it has been classified as a Variant of Uncertain Significance.